The following is an entry in ClinVar:

NM_000562.3(C8A):c.1159A>G (p.Lys387Glu)

Gene: C8A (complement C8 alpha chain; plus strand). Cytogenetic location: 1p32.2.
Variant type: single nucleotide variant.
Coding change: c.1159A>G on transcript NM_000562.3 (MANE Select); coding-DNA position 1159, A replaced by G.
Protein change: p.Lys387Glu; replaces lysine 387 with glutamic acid.
Molecular consequence: missense variant.
Genome position (GRCh38, 1-based): chr1:56,906,729, A>G. VCF-style: chr1-56906729-A-G. GRCh37 (hg19) VCF-style: chr1-57372402-A-G.
Other names: short protein forms K387E.
Identifiers: ClinVar variation 1405687 (VCV001405687.4), dbSNP rs775293822, ClinGen allele CA875264.

ClinVar aggregate classification (germline): Uncertain significance (1 of 4 stars; one submission).

Allele frequency attached by ClinVar (database versions not stated): gnomAD 0.00001; gnomAD exomes 0.00002 and 0.00007; TOPMed 0.00005; ExAC 0.00007.
gnomAD v4.1: 29 of 1,614,038 alleles (0.0018%); highest among the groups gnomAD compares: East Asian, 0.062%; no homozygotes.

Submission:

Labcorp Genetics (formerly Invitae), Labcorp
Classification: Uncertain significance. Last evaluated: 2025-03-12. Review status: criteria provided, single submitter. Criteria: Invitae Variant Classification Sherloc (09022015). Collection method: clinical testing. Allele origin: germline.
Comment: This sequence change replaces lysine, which is basic and polar, with glutamic acid, which is acidic and polar, at codon 387 of the C8A protein (p.Lys387Glu). This variant is present in population databases (rs775293822, gnomAD 0.09%). This variant has not been reported in the literature in individuals affected with C8A-related conditions. ClinVar contains an entry for this variant (Variation ID: 1405687). An algorithm developed to predict the effect of missense changes on protein structure and function (PolyPhen-2) suggests that this variant is likely to be tolerated. In summary, the available evidence is currently insufficient to determine the role of this variant in disease. Therefore, it has been classified as a Variant of Uncertain Significance.